The following is an entry in ClinVar:

ClinVar aggregate classification (germline): Conflicting classifications of pathogenicity. Review status: criteria provided, conflicting classifications (1 of 4 stars). 4 submissions from 4 submitters: Uncertain significance (3); Likely benign (1). Last evaluated 2026-08-19.

Conditions:
Hereditary nonpolyposis colorectal neoplasms. Identifiers: MedGen C0009405, MeSH D003123.
Hereditary cancer-predisposing syndrome. Also called: Hereditary Cancer Syndrome; Tumor predisposition; Hereditary neoplastic syndrome; Neoplastic Syndromes, Hereditary. Identifiers: Orphanet 140162, MedGen C0027672, MeSH D009386, MONDO:0015356.

gnomAD v4.1: 2 of 1,614,190 alleles (0.00012%); highest among the groups gnomAD compares: Non-Finnish European, 0.000085%; no homozygotes.

Submissions (4):

Ambry Genetics
Classification: Likely benign for Hereditary cancer-predisposing syndrome. Last evaluated: 2026-08-19. Review status: criteria provided, single submitter. Criteria: Ambry Variant Classification Scheme 2023. Collection method: clinical testing. Allele origin: germline.

Color Diagnostics, LLC DBA Color Health
Classification: Uncertain significance for Hereditary cancer-predisposing syndrome. Last evaluated: 2025-02-02. Review status: criteria provided, single submitter. Criteria: ACMG Guidelines, 2015. Collection method: clinical testing. Allele origin: germline.
Comment: This missense variant replaces serine with asparagine at codon 359 of the MSH6 protein. Computational prediction suggests that this variant may not impact protein structure and function (internally defined REVEL score threshold <= 0.5, PMID: 27666373). To our knowledge, functional studies have not been reported for this variant. This variant has not been reported in individuals affected with MSH6-related disorders in the literature. This variant has not been identified in the general population by the Genome Aggregation Database (gnomAD). The available evidence is insufficient to determine the role of this variant in disease conclusively. Therefore, this variant is classified as a Variant of Uncertain Significance.

Labcorp Genetics (formerly Invitae), Labcorp
Classification: Uncertain significance for Hereditary nonpolyposis colorectal neoplasms. Last evaluated: 2024-04-23. Review status: criteria provided, single submitter. Criteria: Invitae Variant Classification Sherloc (09022015). Collection method: clinical testing. Allele origin: germline.
Comment: This sequence change replaces serine, which is neutral and polar, with asparagine, which is neutral and polar, at codon 359 of the MSH6 protein (p.Ser359Asn). This variant is not present in population databases (gnomAD no frequency). This variant has not been reported in the literature in individuals affected with MSH6-related conditions. ClinVar contains an entry for this variant (Variation ID: 495704). Advanced modeling of protein sequence and biophysical properties (such as structural, functional, and spatial information, amino acid conservation, physicochemical variation, residue mobility, and thermodynamic stability) performed at Invitae indicates that this missense variant is not expected to disrupt MSH6 protein function with a negative predictive value of 95%. In summary, the available evidence is currently insufficient to determine the role of this variant in disease. Therefore, it has been classified as a Variant of Uncertain Significance.

Women's Health and Genetics/Laboratory Corporation of America, LabCorp
Classification: Uncertain significance. Last evaluated: 2017-01-10. Review status: criteria provided, single submitter. Criteria: LabCorp Variant Classification Summary - May 2015. Collection method: clinical testing. Allele origin: germline.
Comment: Variant summary: The MSH6 c.1076G>A (p.Ser359Asn) variant causes a missense change involving a non-conserved nucleotide, which 5/5 in silico tools predict a benign outcome, although these predictions have yet to be functionally assessed. The variant of interest was not observed in controls (ExAC, 1000 Gs, or ESP), nor has it been, to our knowledge, reported in affected individuals via publications and/or clinical diagnostic laboratories/databases. Therefore, until additional information becomes available (ie, clinical and functional studies), the variant of interest has been classified as a "Variant of Uncertain Significance (VUS)."

NM_000179.3(MSH6):c.1076G>A (p.Ser359Asn)

Gene: MSH6 (mutS homolog 6; plus strand). Cytogenetic location: 2p16.3.
Variant type: single nucleotide variant.
Coding change: c.1076G>A on transcript NM_000179.3 (MANE Select); coding-DNA position 1076, G replaced by A.
Protein change: p.Ser359Asn; replaces serine 359 with asparagine.
Molecular consequence: missense variant.
Genome position (GRCh38, 1-based): chr2:47,799,059, G>A. VCF-style: chr2-47799059-G-A. GRCh37 (hg19) VCF-style: chr2-48026198-G-A.
Other names: c.686G>A, p.Ser229Asn (NM_001281492.2); c.170G>A, p.Ser57Asn (NM_001281493.2, NM_001281494.2); short protein forms S359N, S57N, S229N.
Identifiers: ClinVar variation 495704 (VCV000495704.14), dbSNP rs1278591662, ClinGen allele CA346741749.